The following is an entry in ClinVar:

ClinVar aggregate classification (germline): Uncertain significance (1 of 4 stars; one submission).

Conditions:
3-Methylglutaconic aciduria type 2 (BTHS). Also called: Barth syndrome; CARDIOSKELETAL MYOPATHY WITH NEUTROPENIA AND ABNORMAL MITOCHONDRIA. Identifiers: Orphanet 111, MedGen C0574083, MONDO:0010543, OMIM 302060.

Submission:

Labcorp Genetics (formerly Invitae), Labcorp
Classification: Uncertain significance for 3-Methylglutaconic aciduria type 2. Last evaluated: 2019-07-12. Review status: criteria provided, single submitter. Criteria: Invitae Variant Classification Sherloc (09022015). Collection method: clinical testing. Allele origin: germline.
Comment: In summary, the available evidence is currently insufficient to determine the role of this variant in disease. Therefore, it has been classified as a Variant of Uncertain Significance. Algorithms developed to predict the effect of missense changes on protein structure and function output the following: SIFT: "Tolerated"; PolyPhen-2: "Benign"; Align-GVGD: "Class C0". The isoleucine amino acid residue is found in multiple mammalian species, suggesting that this missense change does not adversely affect protein function. These predictions have not been confirmed by published functional studies and their clinical significance is uncertain. This variant has not been reported in the literature in individuals with TAZ-related conditions. This variant is not present in population databases (ExAC no frequency). This sequence change replaces valine with isoleucine at codon 137 of the TAZ protein (p.Val137Ile). The valine residue is weakly conserved and there is a small physicochemical difference between valine and isoleucine.

NM_000116.5(TAFAZZIN):c.409G>A (p.Val137Ile)

Gene: TAFAZZIN (tafazzin, phospholipid-lysophospholipid transacylase; plus strand). Cytogenetic location: Xq28.
Variant type: single nucleotide variant.
Coding change: c.409G>A on transcript NM_000116.5 (MANE Select); coding-DNA position 409, G replaced by A.
Protein change: p.Val137Ile; replaces valine 137 with isoleucine.
Molecular consequence: missense variant. On other transcripts: intron variant (2).
Genome position (GRCh38, 1-based): chrX:154,414,139, G>A. VCF-style: chrX-154414139-G-A. GRCh37 (hg19) VCF-style: chrX-153642476-G-A.
Other names: c.463G>A, p.Val155Ile (NM_001303465.2); c.409G>A, p.Val137Ile (NM_181312.4); c.370+572G>A (NM_181311.4, NM_181313.4); short protein forms V155I, V137I.
Identifiers: ClinVar variation 950160 (VCV000950160.5), dbSNP rs2068412679, ClinGen allele CA415182509.